The following is an entry in ClinVar:

ClinVar aggregate classification (germline): Likely benign (1 of 4 stars; one submission).

Allele frequency attached by ClinVar (database versions not stated): gnomAD exomes 0.00001; ExAC 0.00002.
gnomAD v4.1: 22 of 1,614,028 alleles (0.0014%); highest among the groups gnomAD compares: Admixed American, 0.018%; no homozygotes.

Submission:

CeGaT Center for Human Genetics Tuebingen
Classification: Likely benign. Last evaluated: 2023-05-01. Review status: criteria provided, single submitter. Criteria: CeGaT Center For Human Genetics Tuebingen Variant Classification Criteria Version 2. Collection method: clinical testing. Allele origin: germline. Affected: yes. Observed: 1 variant allele.
Comment: SPEN: BP4, BP7

NM_015001.3(SPEN):c.9159C>T (p.Asn3053=)

Gene: SPEN (spen family transcriptional repressor; plus strand). Cytogenetic location: 1p36.13.
Variant type: single nucleotide variant.
Coding change: c.9159C>T on transcript NM_015001.3 (MANE Select); coding-DNA position 9159, C replaced by T.
Protein change: p.Asn3053=; no amino-acid change (asparagine 3053 retained).
Molecular consequence: synonymous variant.
Genome position (GRCh38, 1-based): chr1:15,935,399, C>T. VCF-style: chr1-15935399-C-T. GRCh37 (hg19) VCF-style: chr1-16261894-C-T.
Identifiers: ClinVar variation 2638344 (VCV002638344.24), dbSNP rs753548343, ClinGen allele CA620425.